The following is an entry in ClinVar:

NM_002294.3(LAMP2):c.976G>C (p.Gly326Arg)

Gene: LAMP2 (lysosome associated membrane protein 2; minus strand). Cytogenetic location: Xq24.
Variant type: single nucleotide variant.
Coding change: c.976G>C on transcript NM_002294.3 (MANE Select); coding-DNA position 976, G replaced by C.
Protein change: p.Gly326Arg; replaces glycine 326 with arginine.
Molecular consequence: missense variant.
Genome position (GRCh38, 1-based): chrX:120,441,847, C>G on the plus strand (G>C on the coding strand, the complement: LAMP2 is on the minus strand). VCF-style: chrX-120441847-C-G. GRCh37 (hg19) VCF-style: chrX-119575702-C-G.
Other names: c.976G>C, p.Gly326Arg (NM_001122606.1, NM_013995.2); short protein forms G326R.
Identifiers: ClinVar variation 1996871 (VCV001996871.4), dbSNP rs1334486137, ClinGen allele CA414400141.

ClinVar aggregate classification (germline): Uncertain significance (1 of 4 stars; one submission).

Conditions:
Danon disease. Also called: Glycogen Storage Disease Type IIb; ANTOPOL DISEASE; PSEUDOGLYCOGENOSIS II; GSD IIb; LYSOSOMAL GLYCOGEN STORAGE DISEASE WITHOUT ACID MALTASE DEFICIENCY. Identifiers: Orphanet 34587, MedGen C0878677, MONDO:0010281, OMIM 300257.

Submission:

Labcorp Genetics (formerly Invitae), Labcorp
Classification: Uncertain significance for Danon disease. Last evaluated: 2022-05-20. Review status: criteria provided, single submitter. Criteria: Invitae Variant Classification Sherloc (09022015). Collection method: clinical testing. Allele origin: germline.
Comment: Algorithms developed to predict the effect of missense changes on protein structure and function are either unavailable or do not agree on the potential impact of this missense change (SIFT: "Deleterious"; PolyPhen-2: "Probably Damaging"; Align-GVGD: "Class C15"). In summary, the available evidence is currently insufficient to determine the role of this variant in disease. Therefore, it has been classified as a Variant of Uncertain Significance. This variant has not been reported in the literature in individuals affected with LAMP2-related conditions. This variant is not present in population databases (gnomAD no frequency). This sequence change replaces glycine, which is neutral and non-polar, with arginine, which is basic and polar, at codon 326 of the LAMP2 protein (p.Gly326Arg).